The following is an entry in ClinVar:

ClinVar aggregate classification (germline): Likely pathogenic (1 of 4 stars; one submission).

Submission:

GeneDx
Classification: Likely pathogenic. Last evaluated: 2019-03-04. Review status: criteria provided, single submitter. Criteria: GeneDx Variant Classification (06012015). Collection method: clinical testing. Allele origin: germline. Affected: yes.
Comment: The c.238dupA variant in the B3GLCT gene has not been reported previously as a pathogenic variant nor as a benign variant, to our knowledge. The c.238dupA variant causes a frameshift starting with codon Serine 80, changes this amino acid to a Lysine residue, and creates a premature Stop codon at position 24 of the new reading frame, denoted p.Ser80LysfsX24. This variant is predicted to cause loss of normal protein function either through protein truncation or nonsense-mediated mRNA decay. The c.238dupA variant is not observed at a significant frequency in large population cohorts (Lek et al., 2016). We interpret c.238dupA as a likely pathogenic variant.

NM_194318.4(B3GLCT):c.238dup (p.Ser80fs)

Gene: B3GLCT (beta 3-glucosyltransferase; plus strand). Cytogenetic location: 13q12.3.
Variant type: Duplication.
Coding change: c.238dup on transcript NM_194318.4 (MANE Select); coding-DNA position 238, one base duplicated (A; older notation c.238dupA).
Protein change: p.Ser80fs; shifts the reading frame from serine 80.
Molecular consequence: frameshift variant.
Genome position (GRCh38, 1-based): chr13:31,229,262, A duplicated; the last of 8 consecutive A bases (chr13:31,229,255-31,229,262); duplicating any one gives the same sequence. VCF-style (leftmost placement, unchanged base first): chr13-31229254-T-TA. GRCh37 (hg19) VCF-style: chr13-31803391-T-TA.
Other names: short protein forms S80fs.
Identifiers: ClinVar variation 817468 (VCV000817468.1), dbSNP rs772504695, ClinGen allele CA6936509.
Genomic context (GRCh38, chr13:31,229,254, plus strand): 5'-GAATTGTATTCGTCATCCAGAGTCAAAGTAATTCTTTTCATGCAAAGAGAGCAGAGCAGT[T>TA]AAAAAAAAGCATCTTAAAGCAGGCTGCAGATCTTACACAGGTACGTAGCGATGGCTGGGG-3'